The following is an entry in ClinVar:

ClinVar aggregate classification (germline): Likely pathogenic. Review status: criteria provided, multiple submitters, no conflicts (2 of 4 stars). 2 submissions from 2 submitters: Likely pathogenic (2). Last evaluated 2024-05-02.

Conditions:
Polycystic kidney disease 4 (PKD4). Also called: POLYCYSTIC KIDNEY AND HEPATIC DISEASE 1; POLYCYSTIC KIDNEY DISEASE, INFANTILE, TYPE I; POLYCYSTIC KIDNEY DISEASE 4 WITH OR WITHOUT POLYCYSTIC LIVER DISEASE; PKD3; Autosomal Recessive Polycystic Kidney Disease – PKHD1. Identifiers: MedGen C4540575, MONDO:0033004, OMIM 263200.
Autosomal recessive polycystic kidney disease (ARPKD). Also called: AR polycystic kidney disease. Identifiers: Orphanet 731, Orphanet 8378, MedGen C0085548, MeSH D017044, MONDO:0009889.

Submissions (2):

Natera, Inc.
Classification: Likely pathogenic for Autosomal recessive polycystic kidney disease. Last evaluated: 2024-05-02. Review status: criteria provided, single submitter. Criteria: Natera Variant Classification Schema (03/2026). Collection method: clinical testing. Allele origin: germline.
Comment: The c.3932_3933delCA variant in PKHD1 is a frameshift variant predicted to shift the reading frame beginning at codon 1311 and leads to a stop codon 2 codons downstream. This variant is expected to result in nonsense mediated decay, truncation, or a dysfunctional protein product. This variant is rare in the general population with a frequency below the threshold expected for the associated phenotype(s). Given the available evidence, this variant is classified as Likely Pathogenic.

Myriad Genetics, Inc.
Classification: Likely pathogenic for Polycystic kidney disease 4. Last evaluated: 2021-12-30. Review status: criteria provided, single submitter. Criteria: Myriad Women's Health Autosomal Recessive and X-Linked Classification Criteria (2021). Collection method: clinical testing. Allele origin: unknown.
Comment: NM_138694.3(PKHD1):c.3932_3933delCA(T1311Kfs*2) is expected to be pathogenic in the context of autosomal recessive polycystic kidney disease, PKHD1-related. This variant is predicted to lead to an abnormal or absent protein product due to the creation of a premature termination codon in PKHD1, a gene where loss-of-function variants are known to be pathogenic. Please note: this variant was assessed in the context of healthy population screening.

NM_138694.4(PKHD1):c.3932_3933del (p.Thr1311fs)

Gene: PKHD1 (PKHD1 ciliary IPT domain containing fibrocystin/polyductin; minus strand). Cytogenetic location: 6p12.2.
Variant type: Microsatellite.
Coding change: c.3932_3933del on transcript NM_138694.4 (MANE Select); coding-DNA positions 3932 to 3933, 2 bases deleted (CA; older notation c.3932_3933delCA).
Protein change: p.Thr1311fs; shifts the reading frame from threonine 1311.
Molecular consequence: frameshift variant.
Genome position (GRCh38, 1-based): chr6:52,025,877-52,025,878, TG deleted on the plus strand (CA on the coding strand, the reverse complement: PKHD1 is on the minus strand); deleting any 2 consecutive bases within chr6:52,025,877-52,025,880 gives the same sequence; the c. name uses the placement nearest the transcript's 3' end. VCF-style (leftmost placement, unchanged base first): chr6-52025876-TTG-T. GRCh37 (hg19) VCF-style: chr6-51890674-TTG-T.
Other names: c.3932_3933del, p.Thr1311fs (NM_170724.3); c.3932_3933delCA (NM_138694.3); short protein forms T1311fs.
Identifiers: ClinVar variation 1726684 (VCV001726684.3), dbSNP rs2532731276, ClinGen allele CA2580617259.